The following is an entry in ClinVar:

NM_001349.4(DARS1):c.944A>G (p.Lys315Arg)

Gene: DARS1 (aspartyl-tRNA synthetase 1; minus strand). Cytogenetic location: 2q21.3.
Variant type: single nucleotide variant.
Coding change: c.944A>G on transcript NM_001349.4 (MANE Select); coding-DNA position 944, A replaced by G.
Protein change: p.Lys315Arg; replaces lysine 315 with arginine.
Molecular consequence: missense variant.
Genome position (GRCh38, 1-based): chr2:135,920,468, T>C on the plus strand (A>G on the coding strand, the complement: DARS1 is on the minus strand). VCF-style: chr2-135920468-T-C. GRCh37 (hg19) VCF-style: chr2-136678038-T-C.
Other names: c.644A>G, p.Lys215Arg (NM_001293312.1); short protein forms K315R, K215R.
Identifiers: ClinVar variation 373478 (VCV000373478.1), dbSNP rs752371133, ClinGen allele CA1889636.
Genomic context (GRCh38, chr2:135,920,468, plus strand): 5'-AACATTTGAAATTAAGTCCATCTAGGTGCATAAAATACTTTTTACCTTTCTTGAAGTCCT[T>C]TGAATATTTGTACCATGGTGTCAGCAATTTCTTCCATAACTTCGTGGTAATGGTAATTAA-3'
Protein context (NP_001340.2, residues 305-325): EIADTMVQIF[Lys315Arg]GLQERFQTEI

ClinVar aggregate classification (germline): Uncertain significance (1 of 4 stars; one submission).

Allele frequency attached by ClinVar (database versions not stated): gnomAD exomes below 0.00001 and 0.00001; ExAC 0.00001; gnomAD 0.00001; TOPMed 0.00003.
gnomAD v4.1: 6 of 1,612,976 alleles (0.00037%); highest among the groups gnomAD compares: South Asian, 0.0022%; no homozygotes.

Submission:

GeneDx
Classification: Uncertain significance. Last evaluated: 2016-12-12. Review status: criteria provided, single submitter. Criteria: GeneDx Variant Classification (06012015). Collection method: clinical testing. Allele origin: germline. Affected: yes.
Comment: The K315R variant in the DARS gene has not been reported previously as a pathogenic variant, nor as a benign variant, to our knowledge. The K315R variant was not observed in approximately 6500 individuals of European and African American ancestry in the NHLBI Exome Sequencing Project, indicating it is not a common benign variant in these populations. The K315R variant is a conservative amino acid substitution, which is not likely to impact secondary protein structure as these residues share similar properties. This substitution occurs at a position that is conserved across species. In silico analysis is inconsistent in its predictions as to whether or not the variant is damaging to the protein structure/function. We interpret K315R as a variant of uncertain significance.